The following is an entry in ClinVar:

ClinVar aggregate classification (germline): Likely benign. Review status: criteria provided, multiple submitters, no conflicts (2 of 4 stars). 3 submissions from 3 submitters: Likely benign (2). 1 of the submissions does not count toward it. Last evaluated 2026-04-27.

Conditions:
Kabuki syndrome. Also called: Kabuki make-up syndrome; NIIKAWA-KUROKI SYNDROME. Identifiers: Orphanet 2322, MedGen C0796004, MONDO:0016512.
KMT2D-related disorder. Also called: KMT2D-Related Disorders.

Allele frequency attached by ClinVar (database versions not stated): gnomAD 0.00005; ESP Exome Variant Server 0.00008; gnomAD exomes 0.00002; ExAC 0.00003.
gnomAD v4.1: 59 of 1,565,810 alleles (0.0038%); highest among the groups gnomAD compares: African/African-American, 0.0046%; no homozygotes.

Submissions (3):

Women's Health and Genetics/Laboratory Corporation of America, LabCorp
Classification: Likely benign. Last evaluated: 2026-04-27. Review status: criteria provided, single submitter. Criteria: LabCorp Variant Classification Summary - May 2015. Collection method: clinical testing. Allele origin: germline.

Labcorp Genetics (formerly Invitae), Labcorp
Classification: Likely benign for Kabuki syndrome. Last evaluated: 2026-01-11. Review status: criteria provided, single submitter. Criteria: Invitae Variant Classification Sherloc (09022015). Collection method: clinical testing. Allele origin: germline.

PreventionGenetics, part of Exact Sciences
Classification: Likely benign for KMT2D-related condition. Last evaluated: 2024-08-27. Review status: no assertion criteria provided. Collection method: clinical testing. Allele origin: germline. Not counted in ClinVar's aggregate classification.
Comment: This variant is classified as likely benign based on ACMG/AMP sequence variant interpretation guidelines (Richards et al. 2015 PMID: 25741868, with internal and published modifications).

NM_003482.4(KMT2D):c.1953G>A (p.Ser651=)

Gene: KMT2D (lysine methyltransferase 2D; minus strand). Cytogenetic location: 12q13.12.
Variant type: single nucleotide variant.
Coding change: c.1953G>A on transcript NM_003482.4 (MANE Select); coding-DNA position 1953, G replaced by A.
Protein change: p.Ser651=; no amino-acid change (serine 651 retained).
Molecular consequence: synonymous variant.
Genome position (GRCh38, 1-based): chr12:49,051,730, C>T on the plus strand (G>A on the coding strand, the complement: KMT2D is on the minus strand). VCF-style: chr12-49051730-C-T. GRCh37 (hg19) VCF-style: chr12-49445513-C-T.
Other names: c.1953G>A (NM_003482.3).
Identifiers: ClinVar variation 1621815 (VCV001621815.12), dbSNP rs369789129, ClinGen allele CA6548385.